The following is an entry in ClinVar:

ClinVar aggregate classification (germline): Uncertain significance (1 of 4 stars; one submission).

Submission:

Labcorp Genetics (formerly Invitae), Labcorp
Classification: Uncertain significance. Last evaluated: 2025-12-09. Review status: criteria provided, single submitter. Criteria: Invitae Variant Classification Sherloc (09022015). Collection method: clinical testing. Allele origin: germline.
Comment: This sequence change replaces threonine, which is neutral and polar, with proline, which is neutral and non-polar, at codon 582 of the CTNNA1 protein (p.Thr582Pro). This variant is not present in population databases (gnomAD no frequency). This variant has not been reported in the literature in individuals affected with CTNNA1-related conditions. ClinVar contains an entry for this variant (Variation ID: 1919038). Invitae Evidence Modeling of protein sequence and biophysical properties (such as structural, functional, and spatial information, amino acid conservation, physicochemical variation, residue mobility, and thermodynamic stability) indicates that this missense variant is not expected to disrupt CTNNA1 protein function with a negative predictive value of 80%. In summary, the available evidence is currently insufficient to determine the role of this variant in disease. Therefore, it has been classified as a Variant of Uncertain Significance.

NM_001903.5(CTNNA1):c.1744A>C (p.Thr582Pro)

Gene: CTNNA1 (catenin alpha 1; plus strand). Cytogenetic location: 5q31.2.
Variant type: single nucleotide variant.
Coding change: c.1744A>C on transcript NM_001903.5 (MANE Select); coding-DNA position 1744, A replaced by C.
Protein change: p.Thr582Pro; replaces threonine 582 with proline.
Molecular consequence: missense variant.
Genome position (GRCh38, 1-based): chr5:138,924,707, A>C. VCF-style: chr5-138924707-A-C. GRCh37 (hg19) VCF-style: chr5-138260396-A-C.
Other names: c.1744A>C, p.Thr582Pro (NM_001290307.3, NM_001323982.2, NM_001323983.1 and 2 more transcripts); c.1435A>C, p.Thr479Pro (NM_001290309.3); c.1375A>C, p.Thr459Pro (NM_001290310.3); c.634A>C, p.Thr212Pro (NM_001290312.1, NM_001323987.1, NM_001323988.1 and 17 more transcripts); c.1651A>C, p.Thr551Pro (NM_001323986.2); c.295A>C, p.Thr99Pro (NM_001324006.1, NM_001324007.1, NM_001324008.1 and 2 more transcripts); c.541A>C, p.Thr181Pro (NM_001324011.1); c.391A>C, p.Thr131Pro (NM_001324012.1, NM_001324013.1); short protein forms T212P, T551P, T131P, T582P, T99P, T459P, T479P, T181P.
Identifiers: ClinVar variation 1919038 (VCV001919038.5), dbSNP rs2533714517, ClinGen allele CA361132098.